The following is an entry in ClinVar:

NM_001015877.2(PHF6):c.470A>G (p.Lys157Arg)

Gene: PHF6 (PHD finger protein 6; plus strand). Cytogenetic location: Xq26.2.
Variant type: single nucleotide variant.
Coding change: c.470A>G on transcript NM_001015877.2 (MANE Select); coding-DNA position 470, A replaced by G.
Protein change: p.Lys157Arg; replaces lysine 157 with arginine.
Molecular consequence: missense variant.
Genome position (GRCh38, 1-based): chrX:134,413,542, A>G. VCF-style: chrX-134413542-A-G. GRCh37 (hg19) VCF-style: chrX-133547572-A-G.
Other names: c.473A>G, p.Lys158Arg (NM_032335.3); c.470A>G, p.Lys157Arg (NM_032458.3); short protein forms K157R, K158R.
Identifiers: ClinVar variation 3359662 (VCV003359662.2).
Genomic context (GRCh38, chrX:134,413,542, plus strand): 5'-TTTAAGCAGCTGATTTAGAAGAAAGTTTTAATGAACATGAACTGGAGCCCTCATCACCTA[A>G]AAGTAAAAAGAAAAGTCGCAAAGGAAGGCCAAGAAAAACTAATTTTAAAGGGCTGTCAGA-3'
Protein context (NP_001015877.1, residues 147-167): NEHELEPSSP[Lys157Arg]SKKKSRKGRP

ClinVar aggregate classification (germline): Uncertain significance (1 of 4 stars; one submission).

Submission:

GeneDx
Classification: Uncertain significance. Last evaluated: 2025-10-03. Review status: criteria provided, single submitter. Criteria: GeneDx Variant Classification Process June 2021. Collection method: clinical testing. Allele origin: germline.
Comment: Not observed at significant frequency in large population cohorts (gnomAD); In silico analysis suggests that this missense variant does not alter protein structure/function; Has not been previously published as pathogenic or benign to our knowledge